The following is an entry in ClinVar:

ClinVar aggregate classification (germline): Conflicting classifications of pathogenicity. Review status: criteria provided, conflicting classifications (1 of 4 stars). 2 submissions from 2 submitters: Pathogenic (1); Uncertain significance (1). Last evaluated 2025-07-20.

Conditions:
Fabry disease. Also called: Fabry's disease; ALPHA-GALACTOSIDASE A DEFICIENCY; ANDERSON-FABRY DISEASE; CERAMIDE TRIHEXOSIDASE DEFICIENCY; GLA DEFICIENCY; HEREDITARY DYSTOPIC LIPIDOSIS. Identifiers: Orphanet 324, MedGen C0002986, MONDO:0010526, OMIM 301500, HP:0001071. Disease mechanism: Fabry disease is due to inactivating mutations in the X-linked GLA gene resulting in deficiency of the enzyme Alpha Galactosidase-A., loss of function.

Submissions (2):

Labcorp Genetics (formerly Invitae), Labcorp
Classification: Uncertain significance for Fabry disease. Last evaluated: 2025-07-20. Review status: criteria provided, single submitter. Criteria: Invitae Variant Classification Sherloc (09022015). Collection method: clinical testing. Allele origin: germline.
Comment: This sequence change replaces threonine, which is neutral and polar, with aspartic acid, which is acidic and polar, at codon 412 of the GLA protein (p.Thr412Asp). Information on the frequency of this variant in the gnomAD database is not available, as this variant may be reported differently in the database. This variant has not been reported in the literature in individuals affected with GLA-related conditions. An algorithm developed to predict the effect of missense changes on protein structure and function (PolyPhen-2) suggests that this variant is likely to be disruptive. This variant disrupts the p.Thr412 amino acid residue in GLA. Other variant(s) that disrupt this residue have been determined to be pathogenic (internal data). This suggests that this residue is clinically significant, and that variants that disrupt this residue are likely to be disease-causing. In summary, the available evidence is currently insufficient to determine the role of this variant in disease. Therefore, it has been classified as a Variant of Uncertain Significance.

Stanford Starfish Project, Stanford University
Classification: Pathogenic for Fabry disease. Review status: criteria provided, single submitter. Criteria: ACMG Guidelines, 2015. Collection method: provider interpretation. Allele origin: unknown. Inheritance: X-linked inheritance. Affected: yes. Observed: 1 hemizygote.
Comment: This variant is predicted to result in the substitution of threonine by aspartic acid at amino acid 412 (p.Thr412Asp). This variant is not reported in large population databases. See Observation 1 for details on clinical features.

NM_000169.3(GLA):c.1234_1235delinsGA (p.Thr412Asp)

Genes: GLA (galactosidase alpha; minus strand), RPL36A-HNRNPH2 (RPL36A-HNRNPH2 readthrough; plus strand). Cytogenetic location: Xq22.1.
Variant type: Indel.
Coding change: c.1234_1235delinsGA on transcript NM_000169.3 (MANE Select); coding-DNA positions 1234 to 1235, AC replaced by GA.
Protein change: p.Thr412Asp; replaces threonine 412 with aspartic acid.
Molecular consequence: missense variant. On other transcripts: non-coding transcript variant (3), intron variant (2).
Genome position (GRCh38, 1-based): chrX:101,397,864-101,397,865, GT replaced by TC on the plus strand (AC replaced by GA on the coding strand, the reverse complement: GLA is on the minus strand). VCF-style: chrX-101397864-GT-TC. GRCh37 (hg19) VCF-style: chrX-100652852-GT-TC.
Other names: c.1357_1358delinsGA, p.Thr453Asp (NM_001406747.1); c.300+2407_300+2408delinsTC (NM_001199973.2); c.177+6042_177+6043delinsTC (NM_001199974.2); short protein forms T453D, T412D.
Identifiers: ClinVar variation 4723506 (VCV004723506.1).